The following is an entry in ClinVar:

ClinVar aggregate classification (germline): Uncertain significance (1 of 4 stars; one submission).

Conditions:
Congenital myasthenic syndrome 12 (CMS12). Also called: MYASTHENIC SYNDROME, CONGENITAL, WITH TUBULAR AGGREGATES 1; Myasthenia, congenital, 12, with tubular aggregates. Identifiers: Orphanet 353327, Orphanet 590, MedGen C3552335, MONDO:0012518, OMIM 610542.

Submission:

Labcorp Genetics (formerly Invitae), Labcorp
Classification: Uncertain significance for Congenital myasthenic syndrome 12. Last evaluated: 2022-02-03. Review status: criteria provided, single submitter. Criteria: Invitae Variant Classification Sherloc (09022015). Collection method: clinical testing. Allele origin: germline.
Comment: This sequence change replaces histidine, which is basic and polar, with leucine, which is neutral and non-polar, at codon 292 of the GFPT1 protein (p.His292Leu). This variant is not present in population databases (gnomAD no frequency). This variant has not been reported in the literature in individuals affected with GFPT1-related conditions. ClinVar contains an entry for this variant (Variation ID: 540354). Algorithms developed to predict the effect of missense changes on protein structure and function are either unavailable or do not agree on the potential impact of this missense change (SIFT: "Deleterious"; PolyPhen-2: "Benign"; Align-GVGD: "Class C65"). In summary, the available evidence is currently insufficient to determine the role of this variant in disease. Therefore, it has been classified as a Variant of Uncertain Significance.

NM_001244710.2(GFPT1):c.929A>T (p.His310Leu)

Gene: GFPT1 (glutamine--fructose-6-phosphate transaminase 1; minus strand). Cytogenetic location: 2p13.3.
Variant type: single nucleotide variant.
Coding change: c.929A>T on transcript NM_001244710.2 (MANE Select); coding-DNA position 929, A replaced by T.
Protein change: p.His310Leu; replaces histidine 310 with leucine.
Molecular consequence: missense variant.
Genome position (GRCh38, 1-based): chr2:69,348,251, T>A on the plus strand (A>T on the coding strand, the complement: GFPT1 is on the minus strand). VCF-style: chr2-69348251-T-A. GRCh37 (hg19) VCF-style: chr2-69575383-T-A.
Other names: c.875A>T, p.His292Leu (NM_002056.4); short protein forms H292L, H310L.
Identifiers: ClinVar variation 540354 (VCV000540354.8), dbSNP rs1553389515, ClinGen allele CA347127876.
Genomic context (GRCh38, chr2:69,348,251, plus strand): 5'-TCCATCTGGAGTGTTTGCACAGCTCGTCCGGGGTGATCTCCTGCAGTTCGTTTAATTCGA[T>A]GGATAGAAAGACGTCCATCCACTACTGCTGCAACATCATCATCTTCCAGAAAGATGACGC-3'
Protein context (NP_001231639.1, residues 300-320): AAVVDGRLSI[His310Leu]RIKRTAGDHP